The following is an entry in ClinVar:

ClinVar aggregate classification (germline): Uncertain significance (1 of 4 stars; one submission).

gnomAD v4.1: 1 of 1,613,994 alleles (0.000062%); highest among the groups gnomAD compares: Non-Finnish European, 0.000085%; no homozygotes.

Submission:

Labcorp Genetics (formerly Invitae), Labcorp
Classification: Uncertain significance. Last evaluated: 2025-07-21. Review status: criteria provided, single submitter. Criteria: Invitae Variant Classification Sherloc (09022015). Collection method: clinical testing. Allele origin: germline.
Comment: This sequence change replaces glycine, which is neutral and non-polar, with aspartic acid, which is acidic and polar, at codon 434 of the CETP protein (p.Gly434Asp). This variant is not present in population databases (gnomAD no frequency). This variant has not been reported in the literature in individuals affected with CETP-related conditions. Invitae Evidence Modeling of protein sequence and biophysical properties (such as structural, functional, and spatial information, amino acid conservation, physicochemical variation, residue mobility, and thermodynamic stability) indicates that this missense variant is expected to disrupt CETP protein function with a positive predictive value of 80%. In summary, the available evidence is currently insufficient to determine the role of this variant in disease. Therefore, it has been classified as a Variant of Uncertain Significance.

NM_000078.3(CETP):c.1301G>A (p.Gly434Asp)

Gene: CETP (cholesteryl ester transfer protein; plus strand). Cytogenetic location: 16q13.
Variant type: single nucleotide variant.
Coding change: c.1301G>A on transcript NM_000078.3 (MANE Select); coding-DNA position 1301, G replaced by A.
Protein change: p.Gly434Asp; replaces glycine 434 with aspartic acid.
Molecular consequence: missense variant.
Genome position (GRCh38, 1-based): chr16:56,982,217, G>A. VCF-style: chr16-56982217-G-A. GRCh37 (hg19) VCF-style: chr16-57016129-G-A.
Other names: c.1121G>A, p.Gly374Asp (NM_001286085.2); short protein forms G374D, G434D.
Identifiers: ClinVar variation 4808378 (VCV004808378.1).